The following is an entry in ClinVar:

NM_194248.1:c.1912-2C>T

Gene: OTOF (otoferlin; minus strand). Cytogenetic location: 2p23.3.
Variant type: single nucleotide variant.
Identifiers: ClinVar variation 65785 (VCV000065785.3).

ClinVar aggregate classification (germline): Pathogenic (0 of 4 stars; one submission).

Conditions:
Autosomal recessive nonsyndromic hearing loss 9. Also called: NEUROSENSORY NONSYNDROMIC RECESSIVE DEAFNESS 9; OTOF-Related Hearing Loss; AUDITORY NEUROPATHY, AUTOSOMAL RECESSIVE, 1, TEMPERATURE-SENSITIVE; Deafness, autosomal recessive 9. Identifiers: Orphanet 90636, MedGen C1832828, MONDO:0010986, OMIM 601071.

Submission:

GeneReviews
Classification: Pathogenic for OTOF-Related Deafness. Last evaluated: 2011-04-26. Review status: no assertion criteria provided. Collection method: curation. Allele origin: unknown.
ClinVar note: Converted during submission from pathologic to Pathogenic.